The following is an entry in ClinVar:

ClinVar aggregate classification (germline): Uncertain significance (1 of 4 stars; one submission).

gnomAD v4.1: 1 of 1,550,872 alleles (0.000064%); highest among the groups gnomAD compares: Non-Finnish European, 0.000087%; no homozygotes.

Submission:

Ambry Genetics
Classification: Uncertain significance. Last evaluated: 2025-11-11. Review status: criteria provided, single submitter. Criteria: Ambry Variant Classification Scheme 2023. Collection method: clinical testing. Allele origin: germline.
Comment: The p.S6R variant (also known as c.18C>A), located in coding exon 1 of the SRP72 gene, results from a C to A substitution at nucleotide position 18. The serine at codon 6 is replaced by arginine, an amino acid with dissimilar properties. This amino acid position is conserved. In addition, this alteration is predicted to be tolerated by in silico analysis. Based on the available evidence, the clinical significance of this variant remains unclear.

NM_006947.4(SRP72):c.18C>A (p.Ser6Arg)

Genes: SRP72 (signal recognition particle 72; plus strand), LOC129992625 (ATAC-STARR-seq lymphoblastoid active region 21580; plus strand). Cytogenetic location: 4q12.
Variant type: single nucleotide variant.
Coding change: c.18C>A on transcript NM_006947.4 (MANE Select); coding-DNA position 18, C replaced by A.
Protein change: p.Ser6Arg; replaces serine 6 with arginine.
Molecular consequence: missense variant. On other transcripts: non-coding transcript variant (1).
Genome position (GRCh38, 1-based): chr4:56,467,653, C>A. VCF-style: chr4-56467653-C-A. GRCh37 (hg19) VCF-style: chr4-57333819-C-A.
Other names: c.18C>A, p.Ser6Arg (NM_001267722.2); short protein forms S6R.
Identifiers: ClinVar variation 4589624 (VCV004589624.1).